The following is an entry in ClinVar:

NM_017514.5(PLXNA3):c.1150G>A (p.Gly384Ser)

Gene: PLXNA3 (plexin A3; plus strand). Cytogenetic location: Xq28.
Variant type: single nucleotide variant.
Coding change: c.1150G>A on transcript NM_017514.5 (MANE Select); coding-DNA position 1150, G replaced by A.
Protein change: p.Gly384Ser; replaces glycine 384 with serine.
Molecular consequence: missense variant.
Genome position (GRCh38, 1-based): chrX:154,462,143, G>A. VCF-style: chrX-154462143-G-A. GRCh37 (hg19) VCF-style: chrX-153690483-G-A.
Other names: short protein forms G384S.
Identifiers: ClinVar variation 741535 (VCV000741535.7), dbSNP rs34585333, ClinGen allele CA10563940.

ClinVar aggregate classification (germline): Benign. Review status: criteria provided, multiple submitters, no conflicts (2 of 4 stars). 3 submissions from 3 submitters: Benign (2). 1 of the submissions does not count toward it. Last evaluated 2019-12-31.

Conditions:
PLXNA3-related disorder. Also called: PLXNA3-related condition.

Allele frequency attached by ClinVar (database versions not stated): gnomAD exomes 0.00072; ExAC 0.00087; 1000 Genomes Project 0.00159; 1000 Genomes Project 30x 0.00187; gnomAD 0.00225 and 0.00237; TOPMed 0.00249; ESP Exome Variant Server 0.00369.

Submissions (3):

Labcorp Genetics (formerly Invitae), Labcorp
Classification: Benign. Last evaluated: 2019-12-31. Review status: criteria provided, single submitter. Criteria: Invitae Variant Classification Sherloc (09022015). Collection method: clinical testing. Allele origin: germline.

Breakthrough Genomics
Classification: Benign. Review status: criteria provided, single submitter. Criteria: ACMG Guidelines, 2015. Collection method: not provided. Allele origin: germline. Inheritance: Unknown mechanism. Affected: yes.

PreventionGenetics, part of Exact Sciences
Classification: Benign for PLXNA3-related condition. Last evaluated: 2019-10-28. Review status: no assertion criteria provided. Collection method: clinical testing. Allele origin: germline. Not counted in ClinVar's aggregate classification.
Comment: This variant is classified as benign based on ACMG/AMP sequence variant interpretation guidelines (Richards et al. 2015 PMID: 25741868, with internal and published modifications).